The following is an entry in ClinVar:

ClinVar aggregate classification (germline): Uncertain significance (1 of 4 stars; one submission).

Conditions:
Immunodeficiency 62. Identifiers: Orphanet 696942, MedGen C5193109, MONDO:0032763, OMIM 618459.

Submission:

Laboratorio de Genetica e Diagnostico Molecular, Hospital Israelita Albert Einstein
Classification: Uncertain significance for Immunodeficiency 62. Last evaluated: 2023-03-08. Review status: criteria provided, single submitter. Criteria: ACMG Guidelines, 2015. Collection method: clinical testing. Allele origin: germline. Affected: yes.
Comment: ACMG classification criteria: PM2 moderate

NM_004706.4(ARHGEF1):c.205C>T (p.Gln69Ter)

Gene: ARHGEF1 (Rho guanine nucleotide exchange factor 1; plus strand). Cytogenetic location: 19q13.2.
Variant type: single nucleotide variant.
Coding change: c.205C>T on transcript NM_004706.4 (MANE Select); coding-DNA position 205, C replaced by T.
Protein change: p.Gln69Ter; replaces glutamine 69 with a stop codon.
Molecular consequence: nonsense. On other transcripts: non-coding transcript variant (2).
Genome position (GRCh38, 1-based): chr19:41,888,845, C>T. VCF-style: chr19-41888845-C-T. GRCh37 (hg19) VCF-style: chr19-42392916-C-T.
Other names: c.205C>T, p.Gln69Ter (NM_001396000.1, NM_001396002.1, NM_001396003.1 and 3 more transcripts); c.250C>T, p.Gln84Ter (NM_199002.2); short protein forms Q69*, Q84*.
Identifiers: ClinVar variation 3901068 (VCV003901068.1).
Genomic context (GRCh38, chr19:41,888,845, plus strand): 5'-CTGGAGCAGGTGAAGCGGCGCCCAGCCCACCTCATGGCCCTCCTGCAGCACGTGGCCCTG[C>T]AGTTTGAGCCAGGACCCCTGGTGAGGGCAGGGCTGGGTGGGCACAGGGAGGGGTGGGGCT-3'